The following is an entry in ClinVar:

ClinVar aggregate classification (germline): Uncertain significance (1 of 4 stars; one submission).

Submission:

Labcorp Genetics (formerly Invitae), Labcorp
Classification: Uncertain significance. Last evaluated: 2021-11-03. Review status: criteria provided, single submitter. Criteria: Invitae Variant Classification Sherloc (09022015). Collection method: clinical testing. Allele origin: germline.
Comment: Algorithms developed to predict the effect of missense changes on protein structure and function are either unavailable or do not agree on the potential impact of this missense change (SIFT: "Tolerated"; PolyPhen-2: "Probably Damaging"; Align-GVGD: "Class C0"). This sequence change replaces valine, which is neutral and non-polar, with leucine, which is neutral and non-polar, at codon 1564 of the KIAA1549 protein (p.Val1564Leu). This variant is not present in population databases (gnomAD no frequency). This variant has not been reported in the literature in individuals affected with KIAA1549-related conditions. In summary, the available evidence is currently insufficient to determine the role of this variant in disease. Therefore, it has been classified as a Variant of Uncertain Significance.

NM_001164665.2(KIAA1549):c.4690G>T (p.Val1564Leu)

Gene: KIAA1549 (KIAA1549; minus strand). Cytogenetic location: 7q34.
Variant type: single nucleotide variant.
Coding change: c.4690G>T on transcript NM_001164665.2 (MANE Select); coding-DNA position 4690, G replaced by T.
Protein change: p.Val1564Leu; replaces valine 1564 with leucine.
Molecular consequence: missense variant.
Genome position (GRCh38, 1-based): chr7:138,869,623, C>A on the plus strand (G>T on the coding strand, the complement: KIAA1549 is on the minus strand). VCF-style: chr7-138869623-C-A. GRCh37 (hg19) VCF-style: chr7-138554369-C-A.
Other names: c.4690G>T, p.Val1564Leu (NM_020910.3); short protein forms V1564L.
Identifiers: ClinVar variation 1390249 (VCV001390249.6), dbSNP rs1204039344, ClinGen allele CA369373672.